The following is an entry in ClinVar:

ClinVar aggregate classification (germline): Uncertain significance (1 of 4 stars; one submission).

Conditions:
Inborn genetic diseases. Identifiers: MedGen C0950123, MeSH D030342.

gnomAD v4.1: 1 of 1,613,896 alleles (0.000062%); no homozygotes.

Submission:

Ambry Genetics
Classification: Uncertain significance for Inborn genetic diseases. Last evaluated: 2025-04-03. Review status: criteria provided, single submitter. Criteria: Ambry Variant Classification Scheme 2023. Collection method: clinical testing. Allele origin: germline.
Comment: The p.P805S variant (also known as c.2413C>T), located in coding exon 13 of the ASXL1 gene, results from a C to T substitution at nucleotide position 2413. The proline at codon 805 is replaced by serine, an amino acid with similar properties. This amino acid position is conserved. In addition, this alteration is predicted to be tolerated by in silico analysis. Based on the available evidence, the clinical significance of this variant remains unclear.

NM_015338.6(ASXL1):c.2413C>T (p.Pro805Ser)

Gene: ASXL1 (ASXL transcriptional regulator 1; plus strand). Cytogenetic location: 20q11.21.
Variant type: single nucleotide variant.
Coding change: c.2413C>T on transcript NM_015338.6 (MANE Select); coding-DNA position 2413, C replaced by T.
Protein change: p.Pro805Ser; replaces proline 805 with serine.
Molecular consequence: missense variant.
Genome position (GRCh38, 1-based): chr20:32,435,125, C>T. VCF-style: chr20-32435125-C-T. GRCh37 (hg19) VCF-style: chr20-31022928-C-T.
Other names: c.2230C>T, p.Pro744Ser (NM_001363734.1); short protein forms P744S, P805S.
Identifiers: ClinVar variation 3955693 (VCV003955693.1).
Genomic context (GRCh38, chr20:32,435,125, plus strand): 5'-GTTAGAACTGAATGTGAGTCTGGCACCACTTCCTGGGAAAGTGATGATGAGGAGCAAGGA[C>T]CCACCGTTCCTGCAGACAATGGTCCCATTCCGTCTCTAGTGGGAGATGATACATTAGAGA-3'
Protein context (NP_056153.2, residues 795-815): SWESDDEEQG[Pro805Ser]TVPADNGPIP